The following is an entry in ClinVar:

NM_001371986.1(UNC80):c.9867T>A (p.His3289Gln)

Gene: UNC80 (unc-80 subunit of NALCN channel complex; plus strand). Cytogenetic location: 2q34.
Variant type: single nucleotide variant.
Coding change: c.9867T>A on transcript NM_001371986.1 (MANE Select); coding-DNA position 9867, T replaced by A.
Protein change: p.His3289Gln; replaces histidine 3289 with glutamine.
Molecular consequence: missense variant.
Genome position (GRCh38, 1-based): chr2:209,995,487, T>A. VCF-style: chr2-209995487-T-A. GRCh37 (hg19) VCF-style: chr2-210860211-T-A.
Other names: c.9669T>A, p.His3223Gln (NM_032504.2); c.9597T>A, p.His3199Gln (NM_182587.4); short protein forms H3223Q, H3199Q, H3289Q.
Identifiers: ClinVar variation 452020 (VCV000452020.19), dbSNP rs201312129, ClinGen allele CA64666049.

ClinVar aggregate classification (germline): Uncertain significance. Review status: criteria provided, multiple submitters, no conflicts (2 of 4 stars). 5 submissions from 5 submitters: Uncertain significance (5). Last evaluated 2026-07-30.

Conditions:
Inborn genetic diseases. Identifiers: MedGen C0950123, MeSH D030342.
Hypotonia, infantile, with psychomotor retardation and characteristic facies 2 (IHPRF2). Also called: UNC80 Deficiency. Identifiers: Orphanet 371364, Orphanet 700333, MedGen C4225203, MONDO:0014777, OMIM 616801.

Allele frequency attached by ClinVar (database versions not stated): gnomAD exomes 0.00001; gnomAD 0.00004; TOPMed 0.00010.
gnomAD v4.1: 65 of 1,551,730 alleles (0.0042%); highest among the groups gnomAD compares: Admixed American, 0.018%; no homozygotes.

Submissions (5):

GeneDx
Classification: Uncertain significance. Last evaluated: 2026-07-30. Review status: criteria provided, single submitter. Criteria: GeneDx Variant Classification Process June 2021. Collection method: clinical testing. Allele origin: germline.
Comment: Not observed at significant frequency in large population cohorts (gnomAD); In silico analysis suggests that this missense variant does not alter protein structure/function; Has not been previously published as pathogenic or benign to our knowledge

Ambry Genetics
Classification: Uncertain significance for Inborn genetic diseases. Last evaluated: 2024-10-25. Review status: criteria provided, single submitter. Criteria: Ambry Variant Classification Scheme 2023. Collection method: clinical testing. Allele origin: germline.

Labcorp Genetics (formerly Invitae), Labcorp
Classification: Uncertain significance. Last evaluated: 2024-01-07. Review status: criteria provided, single submitter. Criteria: Invitae Variant Classification Sherloc (09022015). Collection method: clinical testing. Allele origin: germline.
Comment: This sequence change replaces histidine, which is basic and polar, with glutamine, which is neutral and polar, at codon 3223 of the UNC80 protein (p.His3223Gln). This variant is present in population databases (rs201312129, gnomAD 0.002%). This variant has not been reported in the literature in individuals affected with UNC80-related conditions. ClinVar contains an entry for this variant (Variation ID: 452020). Advanced modeling of protein sequence and biophysical properties (such as structural, functional, and spatial information, amino acid conservation, physicochemical variation, residue mobility, and thermodynamic stability) performed at Invitae indicates that this missense variant is not expected to disrupt UNC80 protein function with a negative predictive value of 80%. In summary, the available evidence is currently insufficient to determine the role of this variant in disease. Therefore, it has been classified as a Variant of Uncertain Significance.

Revvity Omics, Revvity
Classification: Uncertain significance for Hypotonia, infantile, with psychomotor retardation and characteristic facies 2. Last evaluated: 2022-01-06. Review status: criteria provided, single submitter. Criteria: ACMG Guidelines, 2015. Collection method: clinical testing. Allele origin: germline.

Fulgent Genetics
Classification: Uncertain significance for Hypotonia, infantile, with psychomotor retardation and characteristic facies 2. Last evaluated: 2021-08-19. Review status: criteria provided, single submitter. Criteria: ACMG Guidelines, 2015. Collection method: clinical testing. Allele origin: unknown.